The following is an entry in ClinVar:

NM_001042492.3(NF1):c.2358A>G (p.Gln786=)

Gene: NF1 (neurofibromin 1; plus strand). Cytogenetic location: 17q11.2.
Variant type: single nucleotide variant.
Coding change: c.2358A>G on transcript NM_001042492.3 (MANE Select); coding-DNA position 2358, A replaced by G.
Protein change: p.Gln786=; no amino-acid change (glutamine 786 retained).
Molecular consequence: synonymous variant.
Genome position (GRCh38, 1-based): chr17:31,227,555, A>G. VCF-style: chr17-31227555-A-G. GRCh37 (hg19) VCF-style: chr17-29554573-A-G.
Other names: c.2358A>G, p.Gln786= (NM_000267.4).
Identifiers: ClinVar variation 215711 (VCV000215711.43), dbSNP rs762346437, ClinGen allele CA339502.
Genomic context (GRCh38, chr17:31,227,555, plus strand): 5'-TTTCAAGTGATAATTGCCTTCATTTTAGGCTTGGGAAGATACACATGCAAAATGGGAACA[A>G]GCAACAAAGCTAATCCTTAACTATCCAAAAGCCAAAATGGAAGATGGCCAGGTAAGTCTG-3'
Protein context (NP_001035957.1, residues 776-796): AWEDTHAKWE[Gln786=]ATKLILNYPK

ClinVar aggregate classification (germline): Benign/Likely benign. Review status: criteria provided, multiple submitters, no conflicts (2 of 4 stars). 8 submissions from 8 submitters: Benign (1); Likely benign (7). Last evaluated 2026-05-18.

Conditions:
Hereditary cancer-predisposing syndrome. Also called: Tumor predisposition; Neoplastic Syndromes, Hereditary; Hereditary Cancer Syndrome; Hereditary neoplastic syndrome. Identifiers: Orphanet 140162, MedGen C0027672, MeSH D009386, MONDO:0015356.
Neurofibromatosis, type 1 (NF1). Also called: NEUROFIBROMATOSIS, TYPE I, SOMATIC; Peripheral type neurofibromatosis; Neurofibromatosis, type I; VON RECKLINGHAUSEN DISEASE. Identifiers: Orphanet 636, MedGen C0027831, MONDO:0018975, OMIM 162200. Disease mechanism: loss of function.

Allele frequency attached by ClinVar (database versions not stated): gnomAD exomes below 0.00001 and 0.00001; TOPMed 0.00001; ExAC 0.00002.
gnomAD v4.1: 12 of 1,613,950 alleles (0.00074%); highest among the groups gnomAD compares: Non-Finnish European, 0.001%; no homozygotes.

Submissions (8):

Myriad Genetics, Inc.
Classification: Benign for Neurofibromatosis, type 1. Last evaluated: 2026-05-18. Review status: criteria provided, single submitter. Criteria: Myriad Autosomal Dominant, Autosomal Recessive and X-Linked Classification Criteria (2023). Collection method: clinical testing. Allele origin: unknown.
Comment: This variant is considered benign. This variant is a silent/synonymous amino acid change and it is not expected to impact splicing.

Labcorp Genetics (formerly Invitae), Labcorp
Classification: Likely benign for Neurofibromatosis, type 1. Last evaluated: 2026-01-16. Review status: criteria provided, single submitter. Criteria: Invitae Variant Classification Sherloc (09022015). Collection method: clinical testing. Allele origin: germline.

Institute for Biomarker Research, Medical Diagnostic Laboratories, L.L.C.
Classification: Likely benign for Hereditary cancer-predisposing syndrome. Last evaluated: 2025-08-11. Review status: criteria provided, single submitter. Criteria: ACMG Guidelines, 2015. Collection method: clinical testing. Allele origin: germline.
Comment: The synonymous variant NM_000267.3(NF1):c.2358A>G (p.Gln786=) has been reported to ClinVar as Likely benign with a status of (2 stars) criteria provided, multiple submitters, no conflicts (Variation ID 215711 as of 2025-07-03). The p.Gln786= variant is observed in 1/113,726 (0.0009%) alleles from individuals of gnomAD Non Finnish European background in gnomAD. The p.Gln786= variant is not predicted to disrupt an existing splice site. The p.Gln786= variant results in a substitution of a base that is not predicted conserved by GERP++ and PhyloP. For these reasons, this variant has been classified as Likely Benign.

CeGaT Center for Human Genetics Tuebingen
Classification: Likely benign. Last evaluated: 2023-07-01. Review status: criteria provided, single submitter. Criteria: CeGaT Center For Human Genetics Tuebingen Variant Classification Criteria Version 2. Collection method: clinical testing. Allele origin: germline. Affected: yes. Observed: 1 variant allele.
Comment: NF1: BP4, BP7

Genome-Nilou Lab
Classification: Likely benign for Neurofibromatosis, type 1. Last evaluated: 2022-03-15. Review status: criteria provided, single submitter. Criteria: ACMG Guidelines, 2015. Collection method: clinical testing. Allele origin: germline. Affected: no.

GeneDx
Classification: Likely benign. Last evaluated: 2020-06-19. Review status: criteria provided, single submitter. Criteria: GeneDx Variant Classification Process June 2021. Collection method: clinical testing. Allele origin: germline. Affected: yes.

Genetic Services Laboratory, University of Chicago
Classification: Likely benign. Last evaluated: 2019-05-06. Review status: criteria provided, single submitter. Criteria: ACMG Guidelines, 2015. Collection method: clinical testing. Allele origin: germline. Affected: no.

Ambry Genetics
Classification: Likely benign for Hereditary cancer-predisposing syndrome. Last evaluated: 2015-01-07. Review status: criteria provided, single submitter. Criteria: Ambry Autosomal Dominant and X-Linked criteria (10/2015). Collection method: clinical testing. Allele origin: germline. Observed: 1 variant allele.